The following is an entry in ClinVar:

ClinVar aggregate classification (germline): Uncertain significance. Review status: criteria provided, multiple submitters, no conflicts (2 of 4 stars). 16 submissions from 16 submitters: Uncertain significance (12). 4 of the submissions do not count toward it. Last evaluated 2026-08-06.

Conditions:
Disorders of Intracellular Cobalamin Metabolism. Identifiers: MedGen CN043592.
Cobalamin C disease. Also called: Methylmalonic aciduria and homocystinuria, Vitamin B12-responsive; Vitamin B12 metabolic defect with combined deficiency of methylmalonyl-CoA mutase and homocysteine:methyltetrahydrofolate methyltransferase; Cobalamin-C methylmalonic acidemia and homocystinuria; Methylmalonic acidemia and homocystinuria cblC type; methylmalonic aciduria and homocystinuria type cblC; Methylmalonic aciduria with homocystinuria cblC type. Identifiers: Orphanet 26, Orphanet 79282, MedGen C1848561, MONDO:0010184, OMIM 277400.

Allele frequency attached by ClinVar (database versions not stated): 1000 Genomes Project 30x 0.00016; 1000 Genomes Project 0.00020; ExAC 0.00039; gnomAD exomes 0.00053 and 0.00057; ESP Exome Variant Server 0.00057; TOPMed 0.00076; gnomAD 0.00081 and 0.00083.
gnomAD v4.1: 942 of 1,614,100 alleles (0.058%); highest among the groups gnomAD compares: Admixed American, 0.15%; 1 homozygote.

Submissions (16):

GeneDx
Classification: Uncertain significance. Last evaluated: 2026-08-06. Review status: criteria provided, single submitter. Criteria: GeneDx Variant Classification Process June 2021. Collection method: clinical testing. Allele origin: germline.
Comment: In silico analysis supports that this missense variant has a deleterious effect on protein structure/function; This variant is associated with the following publications: (PMID: 33515116, 40355523)

Mayo Clinic Laboratories, Mayo Clinic
Classification: Uncertain significance. Last evaluated: 2025-05-30. Review status: criteria provided, single submitter. Criteria: ACMG Guidelines, 2015. Collection method: clinical testing. Allele origin: germline. Observed: 1 variant allele.
Comment: PP3, PM3_supporting

Blueprint Genetics
Classification: Uncertain significance. Last evaluated: 2024-10-15. Review status: criteria provided, single submitter. Criteria: ACMG Guidelines, 2015. Collection method: clinical testing. Allele origin: germline.

Fulgent Genetics
Classification: Uncertain significance for Cobalamin C disease. Last evaluated: 2024-03-23. Review status: criteria provided, single submitter. Criteria: ACMG Guidelines, 2015. Collection method: clinical testing. Allele origin: germline.

Women's Health and Genetics/Laboratory Corporation of America, LabCorp
Classification: Uncertain significance. Last evaluated: 2024-01-12. Review status: criteria provided, single submitter. Criteria: LabCorp Variant Classification Summary - May 2015. Collection method: clinical testing. Allele origin: germline.
Comment: Variant summary: MMACHC c.316G>A (p.Glu106Lys) results in a conservative amino acid change in the encoded protein sequence. Four of five in-silico tools predict a damaging effect of the variant on protein function. The variant allele was found at a frequency of 0.00053 in 249486 control chromosomes. This frequency is not significantly higher than estimated for a pathogenic variant in MMACHC causing Methylmalonic Acidemia With Homocystinuria (0.00053 vs 0.0032), allowing no conclusion about variant significance. c.316G>A has been reported in the literature in an individual with elevated methylmalonic acid and homocysteine in the homozygous state (Kaur_2021). These data indicate that the variant may be associated with disease. To our knowledge, no experimental evidence demonstrating an impact on protein function has been reported. The following publication have been ascertained in the context of this evaluation (PMID: 33515116). ClinVar contains an entry for this variant (Variation ID: 203826). All laboratories classified the variant as uncertain significance. Based on the evidence outlined above, the variant was classified as VUS-possibly pathogenic.

Genome-Nilou Lab
Classification: Uncertain significance for Cobalamin C disease. Last evaluated: 2023-04-11. Review status: criteria provided, single submitter. Criteria: ACMG Guidelines, 2015. Collection method: clinical testing. Allele origin: germline. Affected: no.

Labcorp Genetics (formerly Invitae), Labcorp
Classification: Uncertain significance for Cobalamin C disease. Last evaluated: 2022-08-19. Review status: criteria provided, single submitter. Criteria: Invitae Variant Classification Sherloc (09022015). Collection method: clinical testing. Allele origin: germline.
Comment: This sequence change replaces glutamic acid, which is acidic and polar, with lysine, which is basic and polar, at codon 106 of the MMACHC protein (p.Glu106Lys). This variant is present in population databases (rs201617713, gnomAD 0.08%), and has an allele count higher than expected for a pathogenic variant. This variant has not been reported in the literature in individuals affected with MMACHC-related conditions. ClinVar contains an entry for this variant (Variation ID: 203826). Advanced modeling of protein sequence and biophysical properties (such as structural, functional, and spatial information, amino acid conservation, physicochemical variation, residue mobility, and thermodynamic stability) performed at Invitae indicates that this missense variant is expected to disrupt MMACHC protein function. In summary, the available evidence is currently insufficient to determine the role of this variant in disease. Therefore, it has been classified as a Variant of Uncertain Significance.

Mendelics
Classification: Uncertain significance for Cobalamin C disease. Last evaluated: 2019-05-28. Review status: criteria provided, single submitter. Criteria: Mendelics Assertion Criteria 2017. Collection method: clinical testing. Allele origin: unknown.

Genomic Research Center, Shahid Beheshti University of Medical Sciences
Classification: Uncertain significance for Methylmalonic acidemia with homocystinuria. Last evaluated: 2019-01-01. Review status: criteria provided, single submitter. Criteria: ACMG Guidelines, 2015. Collection method: clinical testing. Allele origin: inherited. Affected: yes. Observed: 1 variant allele.

Illumina Laboratory Services, Illumina
Classification: Uncertain significance for Disorders of Intracellular Cobalamin Metabolism. Last evaluated: 2018-01-13. Review status: criteria provided, single submitter. Criteria: ICSL Variant Classification Criteria 13 December 2019. Collection method: clinical testing. Allele origin: germline.

CeGaT Center for Human Genetics Tuebingen
Classification: Uncertain significance. Last evaluated: 2016-08-01. Review status: criteria provided, single submitter. Criteria: CeGaT Center For Human Genetics Tuebingen Variant Classification Criteria Version 2. Collection method: clinical testing. Allele origin: germline. Affected: yes. Observed: 1 variant allele.

Breakthrough Genomics
Classification: Uncertain significance. Review status: criteria provided, single submitter. Criteria: ACMG Guidelines, 2015. Collection method: not provided. Allele origin: germline. Inheritance: Autosomal recessive inheritance. Affected: yes.

Natera, Inc.
Classification: Uncertain significance for Methylmalonic aciduria with homocystinuria cblC type. Last evaluated: 2020-09-16. Review status: no assertion criteria provided. Collection method: clinical testing. Allele origin: germline. Not counted in ClinVar's aggregate classification.

Clinical Genetics DNA and cytogenetics Diagnostics Lab, Erasmus MC, Erasmus Medical Center
Classification: Uncertain significance. Review status: no assertion criteria provided. Collection method: clinical testing. Allele origin: germline. Affected: yes. Study: VKGL Data-share Consensus. Not counted in ClinVar's aggregate classification.

Clinical Genetics, Academic Medical Center
Classification: Uncertain significance. Review status: no assertion criteria provided. Collection method: clinical testing. Allele origin: germline. Affected: yes. Study: VKGL Data-share Consensus. Not counted in ClinVar's aggregate classification.

Diagnostic Laboratory, Department of Genetics, University Medical Center Groningen
Classification: Uncertain significance. Review status: no assertion criteria provided. Collection method: clinical testing. Allele origin: germline. Affected: yes. Study: VKGL Data-share Consensus. Not counted in ClinVar's aggregate classification.

Literature cited by the submitters: PubMed 33515116 (cited by Mayo Clinic Laboratories, Mayo Clinic and Women's Health and Genetics/Laboratory Corporation of America, LabCorp).

NM_015506.3(MMACHC):c.316G>A (p.Glu106Lys)

Gene: MMACHC (metabolism of cobalamin associated C; plus strand). Cytogenetic location: 1p34.1.
Variant type: single nucleotide variant.
Coding change: c.316G>A on transcript NM_015506.3 (MANE Select); coding-DNA position 316, G replaced by A.
Protein change: p.Glu106Lys; replaces glutamic acid 106 with lysine.
Molecular consequence: missense variant.
Genome position (GRCh38, 1-based): chr1:45,508,251, G>A. VCF-style: chr1-45508251-G-A. GRCh37 (hg19) VCF-style: chr1-45973923-G-A.
Other names: p.E106K:GAG>AAG; p.Glu106Lys; c.145G>A, p.Glu49Lys (NM_001330540.2); short protein forms E106K, E49K.
Identifiers: ClinVar variation 203826 (VCV000203826.67), dbSNP rs201617713, ClinGen allele CA312730.
Genomic context (GRCh38, chr1:45,508,251, plus strand): 5'-CTATTTTGTCCACTGTTCCAGAGCCTCCCAGAGCTGCAGATAGAAATCATTGCTGACTAC[G>A]AGGTGCACCCCAACCGACGCCCCAAGATCCTGGCCCAGACAGCAGCCCATGTAGCTGGGG-3'
Protein context (NP_056321.2, residues 96-116): ELQIEIIADY[Glu106Lys]VHPNRRPKIL